The following is an entry in ClinVar:

ClinVar aggregate classification (germline): Benign (3 of 4 stars; one submission).

Conditions:
Breast-ovarian cancer, familial, susceptibility to, 1 (BROVCA1). Also called: BRCA1 Hereditary Breast and Ovarian Cancer; OVARIAN CANCER, SUSCEPTIBILITY TO. Identifiers: Orphanet 145, MedGen C2676676, MONDO:0011450, OMIM 604370. Disease mechanism: loss of function.

Submission:

Evidence-based Network for the Interpretation of Germline Mutant Alleles (ENIGMA)
Classification: Benign for Breast-ovarian cancer, familial, susceptibility to, 1. Last evaluated: 2016-09-28. Review status: reviewed by expert panel. Criteria: ENIGMA BRCA1/2 Classification Criteria (2015). Collection method: curation. Allele origin: germline.
Comment: Class 1 not pathogenic based on frequency >1% in an outbred sampleset. Frequency 0.33 (European), 0.1611 (African), 0.3501 (Admixed American/Latino), 0.3373 (East Asian), 0.4509 (South Asian), derived from 1000 genomes (2013-05-02).

NM_007294.4(BRCA1):c.4358-722dup

Gene: BRCA1 (BRCA1 DNA repair associated; minus strand). Cytogenetic location: 17q21.31.
Variant type: Duplication.
Coding change: c.4358-722dup on transcript NM_007294.4 (MANE Select); 722 bases into the intron before coding-DNA position 4358, one base duplicated (A; older notation c.4358-722dupA).
Molecular consequence: intron variant.
Genome position (GRCh38, 1-based): chr17:43,077,336, T duplicated on the plus strand (A on the coding strand, the reverse complement: BRCA1 is on the minus strand); the first of 13 consecutive T bases (chr17:43,077,336-43,077,348); duplicating any one gives the same sequence. VCF-style (leftmost placement, unchanged base first): chr17-43077335-C-CT. GRCh37 (hg19) VCF-style: chr17-41229352-C-CT.
Other names: c.908-725dup (NM_001408458.1, NM_001408461.1, NM_001408459.1 and 1 more transcripts); c.3470-725dup (NM_001407967.1); c.3977-722dup (NM_001407959.1); c.4091-722dup (NM_001407931.1, NM_001407932.1, NM_001407930.1 and 1 more transcripts); c.4214-722dup (NM_001407747.1, NM_001407745.1, NM_001407746.1 and 11 more transcripts); c.3974-722dup (NM_001407962.1); c.545-722dup (NM_001408512.1); c.668-722dup (NM_001408510.1); and 98 more.
Identifiers: ClinVar variation 264802 (VCV000264802.2), dbSNP rs68171917, ClinGen allele CA10588210.
Genomic context (GRCh38, chr17:43,077,335, plus strand): 5'-ATGGCACAAGAAGGGAAAAATCACAAAACATACTGAAGGCAAAGTTCTGGCATGTTAGTT[C>CT]TTTTTTTTTTTTTGAGACGGAGTCTCACTCTGTTGCCCAAGCTGAAGTGCAATGGTGCAA-3'